The following is an entry in ClinVar:

ClinVar aggregate classification (germline): Likely benign. Review status: criteria provided, multiple submitters, no conflicts (2 of 4 stars). 3 submissions from 3 submitters: Likely benign (3). Last evaluated 2026-05-27.

Conditions:
ADGRV1-related disorder. Also called: ADGRV1-related condition; ADGRV1-related disorders.

Allele frequency attached by ClinVar (database versions not stated): gnomAD exomes below 0.00001; ExAC 0.00001.
gnomAD v4.1: 2 of 1,613,994 alleles (0.00012%); highest among the groups gnomAD compares: Non-Finnish European, 0.000085%; no homozygotes.

Submissions (3):

PreventionGenetics, part of Exact Sciences
Classification: Likely benign for ADGRV1-related condition. Last evaluated: 2026-05-27. Review status: criteria provided, single submitter. Criteria: ACMG Guidelines, 2015. Collection method: clinical testing. Allele origin: germline.
Comment: This variant is classified as likely benign based on ACMG/AMP sequence variant interpretation guidelines (Richards et al. 2015 PMID: 25741868, with internal and published modifications).

Labcorp Genetics (formerly Invitae), Labcorp
Classification: Likely benign. Last evaluated: 2026-01-05. Review status: criteria provided, single submitter. Criteria: Invitae Variant Classification Sherloc (09022015). Collection method: clinical testing. Allele origin: germline.

Blueprint Genetics
Classification: Likely benign. Last evaluated: 2024-07-05. Review status: criteria provided, single submitter. Criteria: ACMG Guidelines, 2015. Collection method: clinical testing. Allele origin: germline.

NM_032119.4(ADGRV1):c.4488T>C (p.Tyr1496=)

Gene: ADGRV1 (adhesion G protein-coupled receptor V1; plus strand). Cytogenetic location: 5q14.3.
Variant type: single nucleotide variant.
Coding change: c.4488T>C on transcript NM_032119.4 (MANE Select); coding-DNA position 4488, T replaced by C.
Protein change: p.Tyr1496=; no amino-acid change (tyrosine 1496 retained).
Molecular consequence: synonymous variant. On other transcripts: non-coding transcript variant (1).
Genome position (GRCh38, 1-based): chr5:90,658,014, T>C. VCF-style: chr5-90658014-T-C. GRCh37 (hg19) VCF-style: chr5-89953831-T-C.
Other names: c.4488T>C (NM_032119.3).
Identifiers: ClinVar variation 1924759 (VCV001924759.7), dbSNP rs772002335, ClinGen allele CA3339359.
Genomic context (GRCh38, chr5:90,658,014, plus strand): 5'-TACAGGTCTGATGCAGGATGTGAGGTCCTATGAGCGGAAACTGACGCTTGAAGAAATTTA[T>C]GAACTTCATGCCATGCCCGCAAAAAGTGATTTACACCCAATTTCTGGATATCTGGAGTTC-3'
Protein context (NP_115495.3, residues 1486-1506): YERKLTLEEI[Tyr1496=]ELHAMPAKSD